The following is an entry in ClinVar:

NM_004646.4(NPHS1):c.2225T>C (p.Ile742Thr)

Gene: NPHS1 (NPHS1 adhesion molecule, nephrin; minus strand). Cytogenetic location: 19q13.12.
Variant type: single nucleotide variant.
Coding change: c.2225T>C on transcript NM_004646.4 (MANE Select); coding-DNA position 2225, T replaced by C.
Protein change: p.Ile742Thr; replaces isoleucine 742 with threonine.
Molecular consequence: missense variant.
Genome position (GRCh38, 1-based): chr19:35,843,581, A>G on the plus strand (T>C on the coding strand, the complement: NPHS1 is on the minus strand). VCF-style: chr19-35843581-A-G. GRCh37 (hg19) VCF-style: chr19-36334483-A-G.
Other names: short protein forms I742T.
Identifiers: ClinVar variation 56468 (VCV000056468.2), dbSNP rs386833908, ClinGen allele CA250176.

ClinVar aggregate classification (germline): Likely pathogenic (0 of 4 stars; one submission).

Conditions:
Finnish congenital nephrotic syndrome (NPHS1). Also called: NEPHROTIC SYNDROME, TYPE 1. Identifiers: Orphanet 839, MedGen C0403399, MONDO:0009732, OMIM 256300.

Submission:

Juha Muilu Group; Institute for Molecular Medicine Finland (FIMM)
Classification: Likely pathogenic for Finnish congenital nephrotic syndrome. Review status: no assertion criteria provided. Collection method: not provided. Allele origin: unknown.
Comment: FinDis database variant: This variant was not found or characterized by our laboratory, data were collected from public sources: see reference
ClinVar note: Converted during submission from probable-pathogenic to Likely pathogenic.